The following is an entry in ClinVar:

ClinVar aggregate classification (germline): Uncertain significance (1 of 4 stars; one submission).

Allele frequency attached by ClinVar (database versions not stated): gnomAD 0.00001; TOPMed 0.00001.
gnomAD v4.1: 8 of 1,612,790 alleles (0.0005%); highest among the groups gnomAD compares: African/African-American, 0.0013%; no homozygotes.

Submission:

Labcorp Genetics (formerly Invitae), Labcorp
Classification: Uncertain significance. Last evaluated: 2022-12-30. Review status: criteria provided, single submitter. Criteria: Invitae Variant Classification Sherloc (09022015). Collection method: clinical testing. Allele origin: germline.
Comment: In summary, the available evidence is currently insufficient to determine the role of this variant in disease. Therefore, it has been classified as a Variant of Uncertain Significance. Advanced modeling of protein sequence and biophysical properties (such as structural, functional, and spatial information, amino acid conservation, physicochemical variation, residue mobility, and thermodynamic stability) performed at Invitae indicates that this missense variant is expected to disrupt MYH14 protein function. This variant has not been reported in the literature in individuals affected with MYH14-related conditions. This variant is present in population databases (no rsID available, gnomAD 0.002%). This sequence change replaces arginine, which is basic and polar, with histidine, which is basic and polar, at codon 1665 of the MYH14 protein (p.Arg1665His).

NM_001145809.2(MYH14):c.5117G>A (p.Arg1706His)

Gene: MYH14 (myosin heavy chain 14; plus strand). Cytogenetic location: 19q13.33.
Variant type: single nucleotide variant.
Coding change: c.5117G>A on transcript NM_001145809.2 (MANE Select); coding-DNA position 5117, G replaced by A.
Protein change: p.Arg1706His; replaces arginine 1706 with histidine.
Molecular consequence: missense variant.
Genome position (GRCh38, 1-based): chr19:50,291,038, G>A. VCF-style: chr19-50291038-G-A. GRCh37 (hg19) VCF-style: chr19-50794295-G-A.
Other names: c.5018G>A, p.Arg1673His (NM_001077186.2); c.4994G>A, p.Arg1665His (NM_024729.4); short protein forms R1665H, R1673H, R1706H.
Identifiers: ClinVar variation 1957305 (VCV001957305.5), dbSNP rs1328024294, ClinGen allele CA406962130.